The following is an entry in ClinVar:

NM_001001872.4(ARMH4):c.57C>T (p.Phe19=)

Gene: ARMH4 (armadillo like helical domain containing 4; minus strand). Cytogenetic location: 14q23.1.
Variant type: single nucleotide variant.
Coding change: c.57C>T on transcript NM_001001872.4 (MANE Select); coding-DNA position 57, C replaced by T.
Protein change: p.Phe19=; no amino-acid change (phenylalanine 19 retained).
Molecular consequence: synonymous variant.
Genome position (GRCh38, 1-based): chr14:58,139,302, G>A on the plus strand (C>T on the coding strand, the complement: ARMH4 is on the minus strand). VCF-style: chr14-58139302-G-A. GRCh37 (hg19) VCF-style: chr14-58606020-G-A.
Other names: c.57C>T, p.Phe19= (NM_001320173.3).
Identifiers: ClinVar variation 2644258 (VCV002644258.24), dbSNP rs561950952, ClinGen allele CA7203116.
Genomic context (GRCh38, chr14:58,139,302, plus strand): 5'-ATGTGCTATCTCCCTCCTCCTTTCTATTTTGGGGAAGGCCAGACATTGTGTGGCAACGCT[G>A]AAAAGCAGAAGGCTACAGAAAGCCAGACAAATGTGCAATACAATCGGTCCTCTCATAGTG-3'
Protein context (NP_001001872.2, residues 9-29): ICLAFCSLLL[Phe19=]SVATQCLAFP

ClinVar aggregate classification (germline): Likely benign (1 of 4 stars; one submission).

Allele frequency attached by ClinVar (database versions not stated): ExAC 0.00002; gnomAD exomes 0.00002; TOPMed 0.00003; gnomAD 0.00006.
gnomAD v4.1: 43 of 1,614,040 alleles (0.0027%); highest among the groups gnomAD compares: Non-Finnish European, 0.0036%; no homozygotes.

Submission:

CeGaT Center for Human Genetics Tuebingen
Classification: Likely benign. Last evaluated: 2023-03-01. Review status: criteria provided, single submitter. Criteria: CeGaT Center For Human Genetics Tuebingen Variant Classification Criteria Version 2. Collection method: clinical testing. Allele origin: germline. Affected: yes. Observed: 1 variant allele.
Comment: ARMH4: BP4, BP7